The following is an entry in ClinVar:

ClinVar aggregate classification (germline): Uncertain significance (1 of 4 stars; one submission).

Allele frequency attached by ClinVar (database versions not stated): gnomAD exomes 0.00001 and 0.00004; TOPMed 0.00001; ExAC 0.00005.
gnomAD v4.1: 12 of 1,551,782 alleles (0.00077%); no homozygotes.

Submission:

GeneDx
Classification: Uncertain significance. Last evaluated: 2019-10-03. Review status: criteria provided, single submitter. Criteria: GeneDx Variant Classification Process June 2021. Collection method: clinical testing. Allele origin: germline. Affected: yes.
Comment: In silico analysis, which includes protein predictors and evolutionary conservation, supports a deleterious effect; Has not been previously published as pathogenic or benign to our knowledge

NM_001127208.3(TET2):c.5834A>G (p.His1945Arg)

Genes: TET2 (tet methylcytosine dioxygenase 2; plus strand), TET2-AS1 (TET2 antisense RNA 1; minus strand). Cytogenetic location: 4q24.
Variant type: single nucleotide variant.
Coding change: c.5834A>G on transcript NM_001127208.3 (MANE Select); coding-DNA position 5834, A replaced by G.
Protein change: p.His1945Arg; replaces histidine 1945 with arginine.
Molecular consequence: missense variant.
Genome position (GRCh38, 1-based): chr4:105,276,344, A>G. VCF-style: chr4-105276344-A-G. GRCh37 (hg19) VCF-style: chr4-106197501-A-G.
Other names: short protein forms H1945R.
Identifiers: ClinVar variation 1316492 (VCV001316492.2), dbSNP rs758905124, ClinGen allele CA3032294.
Genomic context (GRCh38, chr4:105,276,344, plus strand): 5'-CCCGTGAGAAAGAGGAAGAGTGTGAAAAGTATGGCCCAGACTATGTGCCTCAGAAATCCC[A>G]TGGCAAAAAAGTGAAACGGGAGCCTGCTGAGCCACATGAAACTTCAGAGCCCACTTACCT-3'
Protein context (NP_001120680.1, residues 1935-1955): YGPDYVPQKS[His1945Arg]GKKVKREPAE